The following is an entry in ClinVar:

NM_014314.4(RIGI):c.1192T>C (p.Ser398Pro)

Gene: RIGI (RNA sensor RIG-I; minus strand). Cytogenetic location: 9p21.1.
Variant type: single nucleotide variant.
Coding change: c.1192T>C on transcript NM_014314.4 (MANE Select); coding-DNA position 1192, T replaced by C.
Protein change: p.Ser398Pro; replaces serine 398 with proline.
Molecular consequence: missense variant.
Genome position (GRCh38, 1-based): chr9:32,487,965, A>G on the plus strand (T>C on the coding strand, the complement: RIGI is on the minus strand). VCF-style: chr9-32487965-A-G. GRCh37 (hg19) VCF-style: chr9-32487963-A-G.
Other names: c.1186T>C, p.Ser396Pro (NM_001385907.1); c.1192T>C, p.Ser398Pro (NM_001385909.1); c.751T>C, p.Ser251Pro (NM_001385910.1); c.583T>C, p.Ser195Pro (NM_001385912.1); c.1177T>C, p.Ser393Pro (NM_001385913.1); c.748T>C, p.Ser250Pro (NM_001385914.1); short protein forms S251P, S393P, S396P, S195P, S250P, S398P.
Identifiers: ClinVar variation 1362467 (VCV001362467.8), dbSNP rs1447906391, ClinGen allele CA373157408.

ClinVar aggregate classification (germline): Uncertain significance (1 of 4 stars; one submission).

Allele frequency attached by ClinVar (database versions not stated): gnomAD exomes below 0.00001.
gnomAD v4.1: 2 of 1,614,052 alleles (0.00012%); highest among the groups gnomAD compares: Middle Eastern, 0.017%; no homozygotes.

Submission:

Labcorp Genetics (formerly Invitae), Labcorp
Classification: Uncertain significance. Last evaluated: 2021-06-19. Review status: criteria provided, single submitter. Criteria: Invitae Variant Classification Sherloc (09022015). Collection method: clinical testing. Allele origin: germline.
Comment: This sequence change replaces serine with proline at codon 398 of the DDX58 protein (p.Ser398Pro). The serine residue is moderately conserved and there is a moderate physicochemical difference between serine and proline. This variant is not present in population databases (ExAC no frequency). This variant has not been reported in the literature in individuals with DDX58-related conditions. Algorithms developed to predict the effect of missense changes on protein structure and function (SIFT, PolyPhen-2, Align-GVGD) all suggest that this variant is likely to be tolerated, but these predictions have not been confirmed by published functional studies and their clinical significance is uncertain. In summary, the available evidence is currently insufficient to determine the role of this variant in disease. Therefore, it has been classified as a Variant of Uncertain Significance.